The following is an entry in ClinVar:

NM_003919.3(SGCE):c.436T>A (p.Leu146Met)

Genes: CASD1 (CAS1 domain sialic acid O acetyltransferase 1; plus strand), SGCE (sarcoglycan epsilon; minus strand). Cytogenetic location: 7q21.3.
Variant type: single nucleotide variant.
Coding change: c.436T>A on transcript NM_003919.3 (MANE Select); coding-DNA position 436, T replaced by A.
Protein change: p.Leu146Met; replaces leucine 146 with methionine.
Molecular consequence: missense variant.
Genome position (GRCh38, 1-based): chr7:94,623,352, A>T on the plus strand (T>A on the coding strand, the complement: SGCE is on the minus strand). VCF-style: chr7-94623352-A-T. GRCh37 (hg19) VCF-style: chr7-94252664-A-T.
Other names: c.436T>A, p.Leu146Met (NM_001099400.2, NM_001099401.2, NM_001346717.2); c.313T>A, p.Leu105Met (NM_001301139.2, NM_001362809.2); c.544T>A, p.Leu182Met (NM_001346713.2, NM_001346715.2); c.349T>A, p.Leu117Met (NM_001346719.2, NM_001362807.2); c.163T>A, p.Leu55Met (NM_001346720.2, NM_001362808.2); short protein forms L146M, L117M, L182M, L55M, L105M.
Identifiers: ClinVar variation 287220 (VCV000287220.20), dbSNP rs752074255, ClinGen allele CA4348802.

ClinVar aggregate classification (germline): Conflicting classifications of pathogenicity. Review status: criteria provided, conflicting classifications (1 of 4 stars). 4 submissions from 4 submitters: Uncertain significance (2); Likely benign (1). 1 of the submissions does not count toward it. Last evaluated 2025-12-03.

Conditions:
SGCE-related disorder. Also called: SGCE-related condition.
Myoclonic dystonia 11 (DYT11). Also called: Myoclonic dystonia; Dystonia 11; Dystonia, alcohol responsive; Hereditary essential myoclonus; SGCE Myoclonus-Dystonia; Myoclonus-Dystonia. Identifiers: Orphanet 36899, MedGen C1834570, MONDO:0008044, OMIM 159900.

Allele frequency attached by ClinVar (database versions not stated): TOPMed 0.00009.
gnomAD v4.1: 62 of 1,604,086 alleles (0.0039%); highest among the groups gnomAD compares: Admixed American, 0.1%; no homozygotes.

Submissions (4):

Labcorp Genetics (formerly Invitae), Labcorp
Classification: Likely benign for Myoclonic dystonia 11. Last evaluated: 2025-12-03. Review status: criteria provided, single submitter. Criteria: Invitae Variant Classification Sherloc (09022015). Collection method: clinical testing. Allele origin: germline.

Revvity Omics, Revvity
Classification: Uncertain significance for Myoclonic dystonia 11. Last evaluated: 2020-06-23. Review status: criteria provided, single submitter. Criteria: ACMG Guidelines, 2015. Collection method: clinical testing. Allele origin: germline.

Eurofins Ntd Llc (ga)
Classification: Uncertain significance. Last evaluated: 2016-05-13. Review status: criteria provided, single submitter. Criteria: EGL Classification Definitions 2015. Collection method: clinical testing. Allele origin: germline. Observed: 1 variant allele, 1 heterozygote.

PreventionGenetics, part of Exact Sciences
Classification: Likely benign for SGCE-related condition. Last evaluated: 2019-03-07. Review status: no assertion criteria provided. Collection method: clinical testing. Allele origin: germline. Not counted in ClinVar's aggregate classification.
Comment: This variant is classified as likely benign based on ACMG/AMP sequence variant interpretation guidelines (Richards et al. 2015 PMID: 25741868, with internal and published modifications).